The following is an entry in ClinVar:

NM_002471.4(MYH6):c.1908C>A (p.Ser636Arg)

Gene: MYH6 (myosin heavy chain 6; minus strand). Cytogenetic location: 14q11.2.
Variant type: single nucleotide variant.
Coding change: c.1908C>A on transcript NM_002471.4 (MANE Select); coding-DNA position 1908, C replaced by A.
Protein change: p.Ser636Arg; replaces serine 636 with arginine.
Molecular consequence: missense variant.
Genome position (GRCh38, 1-based): chr14:23,397,597, G>T on the plus strand (C>A on the coding strand, the complement: MYH6 is on the minus strand). VCF-style: chr14-23397597-G-T. GRCh37 (hg19) VCF-style: chr14-23866806-G-T.
Other names: short protein forms S636R.
Identifiers: ClinVar variation 3876449 (VCV003876449.1).

ClinVar aggregate classification (germline): Uncertain significance (1 of 4 stars; one submission).

Conditions:
Cardiovascular phenotype. Identifiers: MedGen CN230736.

Submission:

Ambry Genetics
Classification: Uncertain significance for Cardiovascular phenotype. Last evaluated: 2025-01-27. Review status: criteria provided, single submitter. Criteria: Ambry Variant Classification Scheme 2023. Collection method: clinical testing. Allele origin: germline.
Comment: The p.S636R variant (also known as c.1908C>A), located in coding exon 14 of the MYH6 gene, results from a C to A substitution at nucleotide position 1908. The serine at codon 636 is replaced by arginine, an amino acid with dissimilar properties. This amino acid position is conserved. In addition, this alteration is predicted to be tolerated by in silico analysis. Based on the available evidence, the clinical significance of this variant remains unclear.